The following is an entry in ClinVar:

NM_000327.4(ROM1):c.392A>C (p.Glu131Ala)

Gene: ROM1 (retinal outer segment membrane protein 1; plus strand). Cytogenetic location: 11q12.3.
Variant type: single nucleotide variant.
Coding change: c.392A>C on transcript NM_000327.4 (MANE Select); coding-DNA position 392, A replaced by C.
Protein change: p.Glu131Ala; replaces glutamic acid 131 with alanine.
Molecular consequence: missense variant.
Genome position (GRCh38, 1-based): chr11:62,613,673, A>C. VCF-style: chr11-62613673-A-C. GRCh37 (hg19) VCF-style: chr11-62381145-A-C.
Other names: short protein forms E131A.
Identifiers: ClinVar variation 3641743 (VCV003641743.2).

ClinVar aggregate classification (germline): Uncertain significance (1 of 4 stars; one submission).

Submission:

Labcorp Genetics (formerly Invitae), Labcorp
Classification: Uncertain significance. Last evaluated: 2024-02-17. Review status: criteria provided, single submitter. Criteria: Invitae Variant Classification Sherloc (09022015). Collection method: clinical testing. Allele origin: germline.
Comment: This sequence change replaces glutamic acid, which is acidic and polar, with alanine, which is neutral and non-polar, at codon 131 of the ROM1 protein (p.Glu131Ala). This variant is present in population databases (no rsID available, gnomAD 0.003%). This variant has not been reported in the literature in individuals affected with ROM1-related conditions. Advanced modeling of protein sequence and biophysical properties (such as structural, functional, and spatial information, amino acid conservation, physicochemical variation, residue mobility, and thermodynamic stability) performed at Invitae indicates that this missense variant is not expected to disrupt ROM1 protein function with a negative predictive value of 80%. In summary, the available evidence is currently insufficient to determine the role of this variant in disease. Therefore, it has been classified as a Variant of Uncertain Significance.